The following is an entry in ClinVar:

ClinVar aggregate classification (germline): Uncertain significance (1 of 4 stars; one submission).

Conditions:
Dilated cardiomyopathy 1JJ (CMD1JJ). Identifiers: Orphanet 154, MedGen C3808935, MONDO:0014095, OMIM 615235.

Submission:

Labcorp Genetics (formerly Invitae), Labcorp
Classification: Uncertain significance for Dilated cardiomyopathy 1JJ. Last evaluated: 2025-09-09. Review status: criteria provided, single submitter. Criteria: Invitae Variant Classification Sherloc (09022015). Collection method: clinical testing. Allele origin: germline.
Comment: This sequence change replaces alanine, which is neutral and non-polar, with valine, which is neutral and non-polar, at codon 281 of the LAMA4 protein (p.Ala281Val). This variant is not present in population databases (gnomAD no frequency). This variant has not been reported in the literature in individuals affected with LAMA4-related conditions. ClinVar contains an entry for this variant (Variation ID: 1720028). Invitae Evidence Modeling of protein sequence and biophysical properties (such as structural, functional, and spatial information, amino acid conservation, physicochemical variation, residue mobility, and thermodynamic stability) indicates that this missense variant is not expected to disrupt LAMA4 protein function with a negative predictive value of 80%. In summary, the available evidence is currently insufficient to determine the role of this variant in disease. Therefore, it has been classified as a Variant of Uncertain Significance.

NM_001105206.3(LAMA4):c.863C>T (p.Ala288Val)

Gene: LAMA4 (laminin subunit alpha 4; minus strand). Cytogenetic location: 6q21.
Variant type: single nucleotide variant.
Coding change: c.863C>T on transcript NM_001105206.3 (MANE Select); coding-DNA position 863, C replaced by T.
Protein change: p.Ala288Val; replaces alanine 288 with valine.
Molecular consequence: missense variant.
Genome position (GRCh38, 1-based): chr6:112,187,553, G>A on the plus strand (C>T on the coding strand, the complement: LAMA4 is on the minus strand). VCF-style: chr6-112187553-G-A. GRCh37 (hg19) VCF-style: chr6-112508755-G-A.
Other names: c.842C>T, p.Ala281Val (NM_001105207.3, NM_002290.5); short protein forms A281V, A288V.
Identifiers: ClinVar variation 1720028 (VCV001720028.5), dbSNP rs150084275, ClinGen allele CA365376193.